The following is an entry in ClinVar:

NM_020693.4(DSCAML1):c.425C>T (p.Ala142Val)

Gene: DSCAML1 (DS cell adhesion molecule like 1; minus strand). Cytogenetic location: 11q23.3.
Variant type: single nucleotide variant.
Coding change: c.425C>T on transcript NM_020693.4 (MANE Select); coding-DNA position 425, C replaced by T.
Protein change: p.Ala142Val; replaces alanine 142 with valine.
Molecular consequence: missense variant.
Genome position (GRCh38, 1-based): chr11:117,776,877, G>A on the plus strand (C>T on the coding strand, the complement: DSCAML1 is on the minus strand). VCF-style: chr11-117776877-G-A. GRCh37 (hg19) VCF-style: chr11-117647592-G-A.
Other names: c.425C>T, p.Ala142Val (NM_001367904.1); c.17C>T, p.Ala6Val (NM_001367905.1); short protein forms A142V, A6V.
Identifiers: ClinVar variation 2962898 (VCV002962898.3), dbSNP rs377192420, ClinGen allele CA229402750.

ClinVar aggregate classification (germline): Uncertain significance (1 of 4 stars; one submission).

Allele frequency attached by ClinVar (database versions not stated): gnomAD exomes below 0.00001; TOPMed 0.00001; gnomAD 0.00003; ESP Exome Variant Server 0.00008.
gnomAD v4.1: 12 of 1,614,064 alleles (0.00074%); highest among the groups gnomAD compares: African/African-American, 0.0027%; no homozygotes.

Submission:

Labcorp Genetics (formerly Invitae), Labcorp
Classification: Uncertain significance. Last evaluated: 2023-01-31. Review status: criteria provided, single submitter. Criteria: Invitae Variant Classification Sherloc (09022015). Collection method: clinical testing. Allele origin: germline.
Comment: In summary, the available evidence is currently insufficient to determine the role of this variant in disease. Therefore, it has been classified as a Variant of Uncertain Significance. Algorithms developed to predict the effect of missense changes on protein structure and function are either unavailable or do not agree on the potential impact of this missense change (SIFT: "Deleterious"; PolyPhen-2: "Possibly Damaging"; Align-GVGD: "Class C0"). This variant has not been reported in the literature in individuals affected with DSCAML1-related conditions. This variant is present in population databases (rs377192420, gnomAD 0.006%). This sequence change replaces alanine, which is neutral and non-polar, with valine, which is neutral and non-polar, at codon 202 of the DSCAML1 protein (p.Ala202Val).